The following is an entry in ClinVar:

NM_015271.5(TRIM2):c.794A>G (p.Gln265Arg)

Gene: TRIM2 (tripartite motif containing 2; plus strand). Cytogenetic location: 4q31.3.
Variant type: single nucleotide variant.
Coding change: c.794A>G on transcript NM_015271.5 (MANE Select); coding-DNA position 794, A replaced by G.
Protein change: p.Gln265Arg; replaces glutamine 265 with arginine.
Molecular consequence: missense variant.
Genome position (GRCh38, 1-based): chr4:153,295,320, A>G. VCF-style: chr4-153295320-A-G. GRCh37 (hg19) VCF-style: chr4-154216472-A-G.
Other names: c.713A>G, p.Gln238Arg (NM_001130067.2, NM_001351056.2, NM_001375512.1 and 5 more transcripts); c.767A>G, p.Gln256Arg (NM_001351054.2); c.764A>G, p.Gln255Arg (NM_001351055.2); c.338A>G, p.Gln113Arg (NM_001351057.2); c.887A>G, p.Gln296Arg (NM_001375488.1); c.884A>G, p.Gln295Arg (NM_001375489.1); c.737A>G, p.Gln246Arg (NM_001375490.1); c.734A>G, p.Gln245Arg (NM_001375491.1); and 3 more; short protein forms Q154R, Q238R, Q265R, Q113R, Q256R, Q296R, Q152R, Q153R.
Identifiers: ClinVar variation 2193807 (VCV002193807.4), dbSNP rs1435813734, ClinGen allele CA358472285.

ClinVar aggregate classification (germline): Uncertain significance (1 of 4 stars; one submission).

Conditions:
Charcot-Marie-Tooth disease type 2R. Also called: Charcot-Marie-Tooth disease, axonal, type 2R; CHARCOT-MARIE-TOOTH NEUROPATHY, TYPE 2R; CHARCOT-MARIE-TOOTH DISEASE, AXONAL, AUTOSOMAL RECESSIVE, TYPE 2R. Identifiers: Orphanet 397968, MedGen C3809655, MONDO:0014208, OMIM 615490.

Allele frequency attached by ClinVar (database versions not stated): TOPMed below 0.00001; gnomAD exomes 0.00001.
gnomAD v4.1: 4 of 1,593,162 alleles (0.00025%); highest among the groups gnomAD compares: Admixed American, 0.0052%; no homozygotes.

Submission:

Labcorp Genetics (formerly Invitae), Labcorp
Classification: Uncertain significance for Charcot-Marie-Tooth disease type 2R. Last evaluated: 2023-04-16. Review status: criteria provided, single submitter. Criteria: Invitae Variant Classification Sherloc (09022015). Collection method: clinical testing. Allele origin: germline.
Comment: This variant is present in population databases (no rsID available, gnomAD 0.003%). In summary, the available evidence is currently insufficient to determine the role of this variant in disease. Therefore, it has been classified as a Variant of Uncertain Significance. An algorithm developed to predict the effect of missense changes on protein structure and function (PolyPhen-2) suggests that this variant is likely to be tolerated. ClinVar contains an entry for this variant (Variation ID: 2193807). This variant has not been reported in the literature in individuals affected with TRIM2-related conditions. This sequence change replaces glutamine, which is neutral and polar, with arginine, which is basic and polar, at codon 238 of the TRIM2 protein (p.Gln238Arg).